The following is an entry in ClinVar:

ClinVar aggregate classification (germline): Uncertain significance (1 of 4 stars; one submission).

Submission:

Labcorp Genetics (formerly Invitae), Labcorp
Classification: Uncertain significance. Last evaluated: 2022-06-13. Review status: criteria provided, single submitter. Criteria: Invitae Variant Classification Sherloc (09022015). Collection method: clinical testing. Allele origin: germline.
Comment: This sequence change replaces glycine, which is neutral and non-polar, with arginine, which is basic and polar, at codon 358 of the RETREG1 protein (p.Gly358Arg). In summary, the available evidence is currently insufficient to determine the role of this variant in disease. Therefore, it has been classified as a Variant of Uncertain Significance. Algorithms developed to predict the effect of missense changes on protein structure and function are either unavailable or do not agree on the potential impact of this missense change (SIFT: "Deleterious"; PolyPhen-2: "Probably Damaging"; Align-GVGD: "Class C15"). This variant has not been reported in the literature in individuals affected with RETREG1-related conditions. This variant is not present in population databases (gnomAD no frequency).

NM_001034850.3(RETREG1):c.1072G>A (p.Gly358Arg)

Gene: RETREG1 (reticulophagy regulator 1; minus strand). Cytogenetic location: 5p15.1.
Variant type: single nucleotide variant.
Coding change: c.1072G>A on transcript NM_001034850.3 (MANE Select); coding-DNA position 1072, G replaced by A.
Protein change: p.Gly358Arg; replaces glycine 358 with arginine.
Molecular consequence: missense variant.
Genome position (GRCh38, 1-based): chr5:16,475,163, C>T on the plus strand (G>A on the coding strand, the complement: RETREG1 is on the minus strand). VCF-style: chr5-16475163-C-T. GRCh37 (hg19) VCF-style: chr5-16475272-C-T.
Other names: c.649G>A, p.Gly217Arg (NM_019000.5); short protein forms G217R, G358R.
Identifiers: ClinVar variation 1384455 (VCV001384455.8), dbSNP rs2126506040, ClinGen allele CA359256605.